The following is an entry in ClinVar:

NM_007194.4(CHEK2):c.1009-18G>A

Gene: CHEK2 (checkpoint kinase 2; minus strand). Cytogenetic location: 22q12.1.
Variant type: single nucleotide variant.
Coding change: c.1009-18G>A on transcript NM_007194.4 (MANE Select); 18 bases into the intron before coding-DNA position 1009, G replaced by A.
Molecular consequence: intron variant.
Genome position (GRCh38, 1-based): chr22:28,697,005, C>T on the plus strand (G>A on the coding strand, the complement: CHEK2 is on the minus strand). VCF-style: chr22-28697005-C-T. GRCh37 (hg19) VCF-style: chr22-29092993-C-T.
Other names: c.346-18G>A (NM_001437942.1, NM_001257387.3); c.808-18G>A (NM_001349956.3); c.1009-1132G>A (NM_145862.3); c.1102-1132G>A (NM_001438295.1); c.1102-18G>A (NM_001438293.1); c.1138-1132G>A (NM_001438294.1); c.1138-18G>A (NM_001005735.3).
Identifiers: ClinVar variation 920390 (VCV000920390.9), dbSNP rs757393834, ClinGen allele CA913189031.
Genomic context (GRCh38, chr22:28,697,005, plus strand): 5'-CTGGCTTTAAGTCACGGTGTATAATACCGTTTTCATGAAGGTACTACACAGAAAGGCAGG[C>T]ATGACCCTCAGATTCATGCAGTAGATACTTAAGTAGAATCAAAGTTACCAACACACACAT-3'

ClinVar aggregate classification (germline): Likely benign. Review status: criteria provided, multiple submitters, no conflicts (2 of 4 stars). 4 submissions from 4 submitters: Likely benign (4). Last evaluated 2024-10-04.

Conditions:
Hereditary cancer-predisposing syndrome. Also called: Tumor predisposition; Neoplastic Syndromes, Hereditary; Hereditary neoplastic syndrome; Hereditary Cancer Syndrome. Identifiers: Orphanet 140162, MedGen C0027672, MeSH D009386, MONDO:0015356.
Familial cancer of breast. Also called: Hereditary breast cancer; BREAST CANCER, FAMILIAL; hereditary breast carcinoma. Identifiers: Orphanet 227535, MedGen C0346153, MONDO:0016419, OMIM 114480. Disease mechanism: loss of function.

Submissions (4):

Myriad Genetics, Inc.
Classification: Likely benign for Familial cancer of breast. Last evaluated: 2024-10-04. Review status: criteria provided, single submitter. Criteria: Myriad Autosomal Dominant, Autosomal Recessive and X-Linked Classification Criteria (2023). Collection method: clinical testing. Allele origin: unknown.
Comment: This variant is considered likely benign. This variant is intronic and is not expected to impact mRNA splicing.

Labcorp Genetics (formerly Invitae), Labcorp
Classification: Likely benign for Familial cancer of breast. Last evaluated: 2023-12-08. Review status: criteria provided, single submitter. Criteria: Invitae Variant Classification Sherloc (09022015). Collection method: clinical testing. Allele origin: germline.

Blueprint Genetics
Classification: Likely benign. Last evaluated: 2023-03-17. Review status: criteria provided, single submitter. Criteria: ACMG Guidelines, 2015. Collection method: clinical testing. Allele origin: germline.

Color Diagnostics, LLC DBA Color Health
Classification: Likely benign for Hereditary cancer-predisposing syndrome. Last evaluated: 2018-10-19. Review status: criteria provided, single submitter. Criteria: ACMG Guidelines, 2015. Collection method: clinical testing. Allele origin: germline.